The following is an entry in ClinVar:

ClinVar aggregate classification (germline): Uncertain significance (1 of 4 stars; one submission).

Conditions:
Congenital disorder of deglycosylation (CDDG). Identifiers: MedGen C3808991, MONDO:0031376.

Allele frequency attached by ClinVar (database versions not stated): gnomAD 0.00001; gnomAD exomes 0.00001 and 0.00004; TOPMed 0.00001; ExAC 0.00004.
gnomAD v4.1: 14 of 1,608,532 alleles (0.00087%); highest among the groups gnomAD compares: East Asian, 0.027%; no homozygotes.

Submission:

Labcorp Genetics (formerly Invitae), Labcorp
Classification: Uncertain significance for Congenital disorder of deglycosylation. Last evaluated: 2022-08-09. Review status: criteria provided, single submitter. Criteria: Invitae Variant Classification Sherloc (09022015). Collection method: clinical testing. Allele origin: germline.
Comment: This sequence change replaces alanine, which is neutral and non-polar, with threonine, which is neutral and polar, at codon 31 of the NGLY1 protein (p.Ala31Thr). This variant is present in population databases (rs771300867, gnomAD 0.06%). This variant has not been reported in the literature in individuals affected with NGLY1-related conditions. ClinVar contains an entry for this variant (Variation ID: 1041967). Algorithms developed to predict the effect of missense changes on protein structure and function are either unavailable or do not agree on the potential impact of this missense change (SIFT: "Tolerated"; PolyPhen-2: "Possibly Damaging"; Align-GVGD: "Class C0"). In summary, the available evidence is currently insufficient to determine the role of this variant in disease. Therefore, it has been classified as a Variant of Uncertain Significance.

NM_018297.4(NGLY1):c.91G>A (p.Ala31Thr)

Gene: NGLY1 (N-glycanase 1; minus strand). Cytogenetic location: 3p24.2.
Variant type: single nucleotide variant.
Coding change: c.91G>A on transcript NM_018297.4 (MANE Select); coding-DNA position 91, G replaced by A.
Protein change: p.Ala31Thr; replaces alanine 31 with threonine.
Molecular consequence: missense variant. On other transcripts: intron variant (1).
Genome position (GRCh38, 1-based): chr3:25,783,300, C>T on the plus strand (G>A on the coding strand, the complement: NGLY1 is on the minus strand). VCF-style: chr3-25783300-C-T. GRCh37 (hg19) VCF-style: chr3-25824791-C-T.
Other names: c.91G>A, p.Ala31Thr (NM_001145293.2, NM_001145295.2); c.6-4612G>A (NM_001145294.2); short protein forms A31T.
Identifiers: ClinVar variation 1041967 (VCV001041967.2), dbSNP rs771300867, ClinGen allele CA2289592.